The following is an entry in ClinVar:

NM_014363.6(SACS):c.6538dup (p.Ala2180fs)

Gene: SACS (sacsin molecular chaperone; minus strand). Cytogenetic location: 13q12.12.
Variant type: Duplication.
Coding change: c.6538dup on transcript NM_014363.6 (MANE Select); coding-DNA position 6538, one base duplicated (G; older notation c.6538dupG).
Protein change: p.Ala2180fs; shifts the reading frame from alanine 2180.
Molecular consequence: frameshift variant.
Genome position (GRCh38, 1-based): chr13:23,337,338, C duplicated on the plus strand (G on the coding strand, the reverse complement: SACS is on the minus strand). VCF-style (leftmost placement, unchanged base first): chr13-23337337-G-GC. GRCh37 (hg19) VCF-style: chr13-23911476-G-GC.
Other names: c.6097dup, p.Ala2033fs (NM_001278055.2); short protein forms A2033fs, A2180fs.
Identifiers: ClinVar variation 2980688 (VCV002980688.4), dbSNP rs1712012647, ClinGen allele CA954040878.

ClinVar aggregate classification (germline): Pathogenic/Likely pathogenic. Review status: criteria provided, multiple submitters, no conflicts (2 of 4 stars). 2 submissions from 2 submitters: Pathogenic (1); Likely pathogenic (1). Last evaluated 2025-05-21.

Conditions:
Spastic paraplegia. Identifiers: MedGen C0037772, HP:0001258.
Charlevoix-Saguenay spastic ataxia (SACS). Also called: SPASTIC ATAXIA 6, AUTOSOMAL RECESSIVE; AUTOSOMAL RECESSIVE SPASTIC ATAXIA OF CHARLEVOIX-SAGUENAY; Spastic ataxia of Charlevoix-Saguenay. Identifiers: Orphanet 98, MedGen C1849140, MONDO:0010041, OMIM 270550.

Allele frequency attached by ClinVar (database versions not stated): gnomAD 0.00001; TOPMed 0.00002.

Submissions (2):

Labcorp Genetics (formerly Invitae), Labcorp
Classification: Pathogenic for Spastic paraplegia. Last evaluated: 2025-05-21. Review status: criteria provided, single submitter. Criteria: Invitae Variant Classification Sherloc (09022015). Collection method: clinical testing. Allele origin: germline.
Comment: This sequence change creates a premature translational stop signal (p.Ala2180Glyfs*7) in the SACS gene. While this is not anticipated to result in nonsense mediated decay, it is expected to disrupt the last 2400 amino acid(s) of the SACS protein. This variant is not present in population databases (gnomAD no frequency). This variant has not been reported in the literature in individuals affected with SACS-related conditions. ClinVar contains an entry for this variant (Variation ID: 2980688). This variant disrupts a region of the SACS protein in which other variant(s) (p.Tyr4538*) have been determined to be pathogenic (internal data). This suggests that this is a clinically significant region of the protein, and that variants that disrupt it are likely to be disease-causing. For these reasons, this variant has been classified as Pathogenic.

Baylor Genetics
Classification: Likely pathogenic for Charlevoix-Saguenay spastic ataxia. Last evaluated: 2024-03-16. Review status: criteria provided, single submitter. Criteria: ACMG Guidelines, 2015. Collection method: clinical testing. Allele origin: unknown.